The following is an entry in ClinVar:

ClinVar aggregate classification (germline): Likely benign (1 of 4 stars; one submission).

Submission:

GeneDx
Classification: Likely benign. Last evaluated: 2017-04-12. Review status: criteria provided, single submitter. Criteria: GeneDx Variant Classification (06012015). Collection method: clinical testing. Allele origin: germline. Affected: yes.
Comment: This variant is considered likely benign or benign based on one or more of the following criteria: it is a conservative change, it occurs at a poorly conserved position in the protein, it is predicted to be benign by multiple in silico algorithms, and/or has population frequency not consistent with disease.

NM_153026.3(PRICKLE1):c.684G>A (p.Gln228=)

Gene: PRICKLE1 (prickle planar cell polarity protein 1; minus strand). Cytogenetic location: 12q12.
Variant type: single nucleotide variant.
Coding change: c.684G>A on transcript NM_153026.3 (MANE Select); coding-DNA position 684, G replaced by A.
Protein change: p.Gln228=; no amino-acid change (glutamine 228 retained).
Molecular consequence: synonymous variant.
Genome position (GRCh38, 1-based): chr12:42,466,285, C>T on the plus strand (G>A on the coding strand, the complement: PRICKLE1 is on the minus strand). VCF-style: chr12-42466285-C-T. GRCh37 (hg19) VCF-style: chr12-42860087-C-T.
Other names: c.684G>A, p.Gln228= (NM_001144881.2, NM_001144882.2, NM_001144883.2).
Identifiers: ClinVar variation 508774 (VCV000508774.1), dbSNP rs1555230332, ClinGen allele CA479287049.